The following is an entry in ClinVar:

ClinVar aggregate classification (germline): Likely benign (1 of 4 stars; one submission).

Allele frequency attached by ClinVar (database versions not stated): TOPMed 0.00010.
gnomAD v4.1: 119 of 1,610,440 alleles (0.0074%); highest among the groups gnomAD compares: Admixed American, 0.015%; no homozygotes.

Submission:

GeneDx
Classification: Likely benign. Last evaluated: 2018-02-05. Review status: criteria provided, single submitter. Criteria: GeneDx Variant Classification (06012015). Collection method: clinical testing. Allele origin: germline. Affected: yes.
Comment: This variant is considered likely benign or benign based on one or more of the following criteria: it is a conservative change, it occurs at a poorly conserved position in the protein, it is predicted to be benign by multiple in silico algorithms, and/or has population frequency not consistent with disease.

NM_175073.2(APTX):c.-194C>T

Gene: APTX (aprataxin; minus strand). Cytogenetic location: 9p21.1.
Variant type: single nucleotide variant.
Coding change: c.-194C>T on transcript NM_175073.2; 194 bases upstream of the start codon, C replaced by T.
Molecular consequence: intron variant (on NM_001369001.1).
Genome position (GRCh38, 1-based): chr9:33,001,650, G>A on the plus strand (C>T on the coding strand, the complement: APTX is on the minus strand). VCF-style: chr9-33001650-G-A. GRCh37 (hg19) VCF-style: chr9-33001648-G-A.
Other names: c.-4-11755C>T (NM_001369001.1, NM_001368996.1, NM_001368995.1 and 3 more transcripts); c.-263-11755C>T (NM_001369002.1, NM_001369003.1).
Identifiers: ClinVar variation 514594 (VCV000514594.3), dbSNP rs375155817, ClinGen allele CA5022793.